The following is an entry in ClinVar:

ClinVar aggregate classification (germline): Uncertain significance (1 of 4 stars; one submission).

Conditions:
Alkaptonuria (AKU). Also called: HOMOGENTISIC ACID OXIDASE DEFICIENCY; Alkaptonuric ochronosis; Alcaptonuria; Homogentisic acidura. Identifiers: Orphanet 56, MedGen C0002066, MONDO:0008753, OMIM 203500.

Allele frequency attached by ClinVar (database versions not stated): gnomAD 0.00003; ESP Exome Variant Server 0.00008; 1000 Genomes Project 30x 0.00016; 1000 Genomes Project 0.00020.
gnomAD v4.1: 18 of 1,469,310 alleles (0.0012%); highest among the groups gnomAD compares: South Asian, 0.0023%; no homozygotes.

Submission:

Labcorp Genetics (formerly Invitae), Labcorp
Classification: Uncertain significance for Alkaptonuria. Last evaluated: 2022-06-28. Review status: criteria provided, single submitter. Criteria: Invitae Variant Classification Sherloc (09022015). Collection method: clinical testing. Allele origin: germline.
Comment: This sequence change falls in intron 4 of the HGD gene. It does not directly change the encoded amino acid sequence of the HGD protein. It affects a nucleotide within the consensus splice site. The frequency data for this variant in the population databases is considered unreliable, as metrics indicate poor data quality at this position in the gnomAD database. This variant has not been reported in the literature in individuals affected with HGD-related conditions. Variants that disrupt the consensus splice site are a relatively common cause of aberrant splicing (PMID: 17576681, 9536098). Algorithms developed to predict the effect of sequence changes on RNA splicing suggest that this variant is not likely to affect RNA splicing. In summary, the available evidence is currently insufficient to determine the role of this variant in disease. Therefore, it has been classified as a Variant of Uncertain Significance.

Literature cited by the submitters: PubMed 17576681; PubMed 9536098.

NM_000187.4(HGD):c.282+5C>A

Gene: HGD (homogentisate 1,2-dioxygenase; minus strand). Cytogenetic location: 3q13.33.
Variant type: single nucleotide variant.
Coding change: c.282+5C>A on transcript NM_000187.4 (MANE Select); 5 bases into the intron after coding-DNA position 282, C replaced by A.
Molecular consequence: intron variant.
Genome position (GRCh38, 1-based): chr3:120,670,422, G>T on the plus strand (C>A on the coding strand, the complement: HGD is on the minus strand). VCF-style: chr3-120670422-G-T. GRCh37 (hg19) VCF-style: chr3-120389269-G-T.
Identifiers: ClinVar variation 2147084 (VCV002147084.1), dbSNP rs182510026, ClinGen allele CA2560293.